The following is an entry in ClinVar:

ClinVar aggregate classification (germline): Likely benign. Review status: criteria provided, single submitter (1 of 4 stars). 2 submissions from 2 submitters: Likely benign (1). 1 of the submissions does not count toward it. Last evaluated 2025-08-06.

Conditions:
MYO5B-related disorder. Also called: MYO5B-related condition.

gnomAD v4.1: 10 of 1,614,026 alleles (0.00062%); highest among the groups gnomAD compares: Admixed American, 0.015%; no homozygotes.

Submissions (2):

Labcorp Genetics (formerly Invitae), Labcorp
Classification: Likely benign. Last evaluated: 2025-08-06. Review status: criteria provided, single submitter. Criteria: Invitae Variant Classification Sherloc (09022015). Collection method: clinical testing. Allele origin: germline.

PreventionGenetics, part of Exact Sciences
Classification: Likely benign for MYO5B-related condition. Last evaluated: 2022-07-13. Review status: no assertion criteria provided. Collection method: clinical testing. Allele origin: germline. Not counted in ClinVar's aggregate classification.
Comment: This variant is classified as likely benign based on ACMG/AMP sequence variant interpretation guidelines (Richards et al. 2015 PMID: 25741868, with internal and published modifications).

NM_001080467.3(MYO5B):c.2278C>A (p.Arg760=)

Gene: MYO5B (myosin VB; minus strand). Cytogenetic location: 18q21.1.
Variant type: single nucleotide variant.
Coding change: c.2278C>A on transcript NM_001080467.3 (MANE Select); coding-DNA position 2278, C replaced by A.
Protein change: p.Arg760=; no amino-acid change (arginine 760 retained).
Molecular consequence: synonymous variant.
Genome position (GRCh38, 1-based): chr18:49,906,555, G>T on the plus strand (C>A on the coding strand, the complement: MYO5B is on the minus strand). VCF-style: chr18-49906555-G-T. GRCh37 (hg19) VCF-style: chr18-47432925-G-T.
Other names: c.2278C>A (NM_001080467.2).
Identifiers: ClinVar variation 1149301 (VCV001149301.11), dbSNP rs767095432, ClinGen allele CA8961137.